The following is an entry in ClinVar:

ClinVar aggregate classification (germline): Uncertain significance (1 of 4 stars; one submission).

Allele frequency attached by ClinVar (database versions not stated): gnomAD exomes below 0.00001.

Submission:

Labcorp Genetics (formerly Invitae), Labcorp
Classification: Uncertain significance. Last evaluated: 2021-06-10. Review status: criteria provided, single submitter. Criteria: Invitae Variant Classification Sherloc (09022015). Collection method: clinical testing. Allele origin: germline.
Comment: This sequence change replaces glycine with arginine at codon 2557 of the SPEG protein (p.Gly2557Arg). The glycine residue is highly conserved and there is a moderate physicochemical difference between glycine and arginine. This variant is not present in population databases (ExAC no frequency). This variant has not been reported in the literature in individuals with SPEG-related conditions. Algorithms developed to predict the effect of missense changes on protein structure and function are either unavailable or do not agree on the potential impact of this missense change (SIFT: "Deleterious"; PolyPhen-2: "Benign"; Align-GVGD: "Class C0"). In summary, the available evidence is currently insufficient to determine the role of this variant in disease. Therefore, it has been classified as a Variant of Uncertain Significance.

NM_005876.5(SPEG):c.7669G>A (p.Gly2557Arg)

Genes: ASIC4-AS1 (ASIC4 antisense RNA 1; minus strand), SPEG (striated muscle enriched protein kinase; plus strand). Cytogenetic location: 2q35.
Variant type: single nucleotide variant.
Coding change: c.7669G>A on transcript NM_005876.5 (MANE Select); coding-DNA position 7669, G replaced by A.
Protein change: p.Gly2557Arg; replaces glycine 2557 with arginine.
Molecular consequence: missense variant.
Genome position (GRCh38, 1-based): chr2:219,485,405, G>A. VCF-style: chr2-219485405-G-A. GRCh37 (hg19) VCF-style: chr2-220350127-G-A.
Other names: short protein forms G2557R.
Identifiers: ClinVar variation 1468104 (VCV001468104.8), dbSNP rs2125565872, ClinGen allele CA350703617.
Genomic context (GRCh38, chr2:219,485,405, plus strand): 5'-GCCCCAGGGGAAAGCCGAAGCCGGCTCCGCTGGGGCTTCTCTCGGCCGCGGAAGGACAAG[G>A]GGTTATCGCCACCAAACCTCTCTGCCAGCGTCCAGGAGGAGTTGGGTCACCAGTACGTGC-3'
Protein context (NP_005867.3, residues 2547-2567): WGFSRPRKDK[Gly2557Arg]LSPPNLSASV